The following is an entry in ClinVar:

ClinVar aggregate classification (germline): Pathogenic (1 of 4 stars; one submission).

Conditions:
Hereditary hemochromatosis (HFE). Identifiers: MedGen C0392514, MONDO:0006507. Disease mechanism: loss of function.

gnomAD v4.1: 1 of 1,550,340 alleles (0.000065%); highest among the groups gnomAD compares: South Asian, 0.0012%; no homozygotes.

Submission:

Labcorp Genetics (formerly Invitae), Labcorp
Classification: Pathogenic for Hereditary hemochromatosis. Last evaluated: 2021-03-10. Review status: criteria provided, single submitter. Criteria: Invitae Variant Classification Sherloc (09022015). Collection method: clinical testing. Allele origin: germline.
Comment: For these reasons, this variant has been classified as Pathogenic. Algorithms developed to predict the effect of sequence changes on RNA splicing suggest that this variant may create or strengthen a splice site, but this prediction has not been confirmed by published transcriptional studies. This variant has not been reported in the literature in individuals with TFR2-related conditions. This variant is not present in population databases (ExAC no frequency). This sequence change creates a premature translational stop signal (p.Tyr646*) in the TFR2 gene. It is expected to result in an absent or disrupted protein product. Loss-of-function variants in TFR2 are known to be pathogenic (PMID: 23600741, 26029709).

Literature cited by the submitters: PubMed 23600741; PubMed 26029709.

NM_003227.4(TFR2):c.1938C>A (p.Tyr646Ter)

Gene: TFR2 (transferrin receptor 2; minus strand). Cytogenetic location: 7q22.1.
Variant type: single nucleotide variant.
Coding change: c.1938C>A on transcript NM_003227.4 (MANE Select); coding-DNA position 1938, C replaced by A.
Protein change: p.Tyr646Ter; replaces tyrosine 646 with a stop codon.
Molecular consequence: nonsense.
Genome position (GRCh38, 1-based): chr7:100,627,321, G>T on the plus strand (C>A on the coding strand, the complement: TFR2 is on the minus strand). VCF-style: chr7-100627321-G-T. GRCh37 (hg19) VCF-style: chr7-100224944-G-T.
Other names: c.1425C>A, p.Tyr475Ter (NM_001206855.3); short protein forms Y475*, Y646*.
Identifiers: ClinVar variation 1436409 (VCV001436409.6), dbSNP rs1324815806, ClinGen allele CA368524472.